The following is an entry in ClinVar:

ClinVar aggregate classification (germline): Likely benign. Review status: criteria provided, multiple submitters, no conflicts (2 of 4 stars). 3 submissions from 3 submitters: Likely benign (3). Last evaluated 2026-02-01.

Conditions:
HYPERHOMOCYSTEINEMIA, THROMBOTIC, CBS-RELATED. Identifiers: MedGen C3150344, OMIM 236200.

Allele frequency attached by ClinVar (database versions not stated): TOPMed 0.00003; gnomAD 0.00006.

Submissions (3):

Labcorp Genetics (formerly Invitae), Labcorp
Classification: Likely benign for HYPERHOMOCYSTEINEMIA, THROMBOTIC, CBS-RELATED. Last evaluated: 2026-02-01. Review status: criteria provided, single submitter. Criteria: Invitae Variant Classification Sherloc (09022015). Collection method: clinical testing. Allele origin: germline.

Women's Health and Genetics/Laboratory Corporation of America, LabCorp
Classification: Likely benign. Last evaluated: 2025-06-12. Review status: criteria provided, single submitter. Criteria: LabCorp Variant Classification Summary - May 2015. Collection method: clinical testing. Allele origin: germline.

GeneDx
Classification: Likely benign. Last evaluated: 2017-09-22. Review status: criteria provided, single submitter. Criteria: GeneDx Variant Classification (06012015). Collection method: clinical testing. Allele origin: germline. Affected: yes.
Comment: This variant is considered likely benign or benign based on one or more of the following criteria: it is a conservative change, it occurs at a poorly conserved position in the protein, it is predicted to be benign by multiple in silico algorithms, and/or has population frequency not consistent with disease.

NM_000071.3(CBS):c.828+20C>T

Gene: CBS (cystathionine beta-synthase; minus strand). Cytogenetic location: 21q22.3.
Variant type: single nucleotide variant.
Coding change: c.828+20C>T on transcript NM_000071.3 (MANE Select); 20 bases into the intron after coding-DNA position 828, C replaced by T.
Molecular consequence: intron variant.
Genome position (GRCh38, 1-based): chr21:43,063,880, G>A on the plus strand (C>T on the coding strand, the complement: CBS is on the minus strand). VCF-style: chr21-43063880-G-A. GRCh37 (hg19) VCF-style: chr21-44483990-G-A.
Other names: c.828+20C>T (NM_001320298.2, NM_001178009.3, NM_001178008.3); c.513+20C>T (NM_001321072.1).
Identifiers: ClinVar variation 512319 (VCV000512319.6), dbSNP rs771093015, ClinGen allele CA321094147.